The following is an entry in ClinVar:

NM_004006.3(DMD):c.2949+5G>A

Gene: DMD (dystrophin; minus strand). Cytogenetic location: Xp21.1.
Variant type: single nucleotide variant.
Coding change: c.2949+5G>A on transcript NM_004006.3 (MANE Select); 5 bases into the intron after coding-DNA position 2949, G replaced by A.
Molecular consequence: intron variant.
Genome position (GRCh38, 1-based): chrX:32,472,159, C>T on the plus strand (G>A on the coding strand, the complement: DMD is on the minus strand). VCF-style: chrX-32472159-C-T. GRCh37 (hg19) VCF-style: chrX-32490276-C-T.
Other names: c.2925+5G>A (NM_000109.4); c.2937+5G>A (NM_004009.3); c.2580+5G>A (NM_004010.3).
Identifiers: ClinVar variation 577964 (VCV000577964.6), dbSNP rs1569564280, ClinGen allele CA891843642.

ClinVar aggregate classification (germline): Uncertain significance. Review status: criteria provided, single submitter (1 of 4 stars). 2 submissions from 2 submitters: Uncertain significance (1). 1 of the submissions does not count toward it. Last evaluated 2025-04-04.

Conditions:
Cardiomyopathy (CMYO). Also called: Cardiomyopathies. Identifiers: Orphanet 167848, MedGen C0878544, MONDO:0004994, HP:0001638. Inheritance: Various modes of inheritance.
Duchenne muscular dystrophy (DMD). Also called: MUSCULAR DYSTROPHY, PSEUDOHYPERTROPHIC PROGRESSIVE, DUCHENNE TYPE; Duchenne Muscular Dystrophy (DMD). Identifiers: Orphanet 98896, MedGen C0013264, MONDO:0010679, OMIM 310200.
Becker muscular dystrophy (BMD). Also called: MUSCULAR DYSTROPHY, PSEUDOHYPERTROPHIC PROGRESSIVE, BECKER TYPE; Becker Muscular Dystrophy (BMD). Identifiers: Orphanet 98895, MedGen C0917713, MONDO:0010311, OMIM 300376.
Dystrophin deficiency.

Allele frequency attached by ClinVar (database versions not stated): gnomAD exomes below 0.00001.
gnomAD v4.1: 5 of 1,210,558 alleles (0.00041%); highest among the groups gnomAD compares: African/African-American, 0.0052%; no homozygotes.

Submissions (2):

Labcorp Genetics (formerly Invitae), Labcorp
Classification: Uncertain significance for Duchenne muscular dystrophy. Last evaluated: 2025-04-04. Review status: criteria provided, single submitter. Criteria: Invitae Variant Classification Sherloc (09022015). Collection method: clinical testing. Allele origin: germline.
Comment: This sequence change falls in intron 22 of the DMD gene. It does not directly change the encoded amino acid sequence of the DMD protein. It affects a nucleotide within the consensus splice site. This variant is not present in population databases (gnomAD no frequency). This variant has not been reported in the literature in individuals affected with DMD-related conditions. ClinVar contains an entry for this variant (Variation ID: 577964). Variants that disrupt the consensus splice site are a relatively common cause of aberrant splicing (PMID: 17576681, 9536098). Algorithms developed to predict the effect of sequence changes on RNA splicing suggest that this variant may disrupt the consensus splice site. In summary, the available evidence is currently insufficient to determine the role of this variant in disease. Therefore, it has been classified as a Variant of Uncertain Significance.

Natera, Inc.
Classification: Uncertain significance for Becker muscular dystrophy; Cardiomyopathy; Duchenne muscular dystrophy; Dystrophin deficiency. Last evaluated: 2019-01-11. Review status: no assertion criteria provided. Collection method: clinical testing. Allele origin: germline. Not counted in ClinVar's aggregate classification.

Literature cited by the submitters: PubMed 17576681 (cited by Labcorp Genetics (formerly Invitae), Labcorp); PubMed 9536098 (cited by Labcorp Genetics (formerly Invitae), Labcorp).